The following is an entry in ClinVar:

NM_005228.5(EGFR):c.3390C>A (p.Ser1130Arg)

Gene: EGFR (epidermal growth factor receptor; plus strand). Cytogenetic location: 7p11.2.
Variant type: single nucleotide variant.
Coding change: c.3390C>A on transcript NM_005228.5 (MANE Select); coding-DNA position 3390, C replaced by A.
Protein change: p.Ser1130Arg; replaces serine 1130 with arginine.
Molecular consequence: missense variant.
Genome position (GRCh38, 1-based): chr7:55,205,374, C>A. VCF-style: chr7-55205374-C-A. GRCh37 (hg19) VCF-style: chr7-55273067-C-A.
Other names: c.3255C>A, p.Ser1085Arg (NM_001346899.2); c.3231C>A, p.Ser1077Arg (NM_001346900.2); c.2589C>A, p.Ser863Arg (NM_001346941.2); short protein forms S1130R, S863R, S1085R, S1077R.
Identifiers: ClinVar variation 4016797 (VCV004016797.1).
Genomic context (GRCh38, chr7:55,205,374, plus strand): 5'-TCACAATCAGCCTCTGAACCCCGCGCCCAGCAGAGACCCACACTACCAGGACCCCCACAG[C>A]ACTGCAGTGGGCAACCCCGAGTATCTCAACACTGTCCAGCCCACCTGTGTCAACAGCACA-3'
Protein context (NP_005219.2, residues 1120-1140): SRDPHYQDPH[Ser1130Arg]TAVGNPEYLN

ClinVar aggregate classification (germline): Uncertain significance (1 of 4 stars; one submission).

Conditions:
Hereditary cancer-predisposing syndrome. Also called: Tumor predisposition; Hereditary neoplastic syndrome; Neoplastic Syndromes, Hereditary; Hereditary Cancer Syndrome. Identifiers: Orphanet 140162, MedGen C0027672, MeSH D009386, MONDO:0015356.

gnomAD v4.1: 1 of 1,614,094 alleles (0.000062%); highest among the groups gnomAD compares: East Asian, 0.0022%; no homozygotes.

Submission:

Ambry Genetics
Classification: Uncertain significance for Hereditary cancer-predisposing syndrome. Last evaluated: 2025-05-31. Review status: criteria provided, single submitter. Criteria: Ambry Variant Classification Scheme 2023. Collection method: clinical testing. Allele origin: germline.
Comment: The p.S1130R variant (also known as c.3390C>A), located in coding exon 28 of the EGFR gene, results from a C to A substitution at nucleotide position 3390. The serine at codon 1130 is replaced by arginine, an amino acid with dissimilar properties. This amino acid position is conserved. In addition, this alteration is predicted to be tolerated by in silico analysis. Based on the available evidence, the clinical significance of this variant remains unclear.